The following is an entry in ClinVar:

NM_020706.2(SCAF4):c.2209+1G>A

Gene: SCAF4 (SR-related CTD associated factor 4; minus strand). Cytogenetic location: 21q22.11.
Variant type: single nucleotide variant.
Coding change: c.2209+1G>A on transcript NM_020706.2 (MANE Select); the canonical splice donor site of the intron after coding-DNA position 2209, G replaced by A.
Molecular consequence: splice donor variant.
Genome position (GRCh38, 1-based): chr21:31,685,567, C>T on the plus strand (G>A on the coding strand, the complement: SCAF4 is on the minus strand). VCF-style: chr21-31685567-C-T. GRCh37 (hg19) VCF-style: chr21-33057880-C-T.
Other names: c.2164+1G>A (NM_001145444.1); c.2209+1G>A (NM_001145445.1).
Identifiers: ClinVar variation 3043589 (VCV003043589.2), dbSNP rs2516724533, ClinGen allele CA410044882.
Genomic context (GRCh38, chr21:31,685,567, plus strand): 5'-AACTTATGCTGTATCACTCCATCGCAGGCTCTAAAGTATGTTCACAGACAATTTAGTGTA[C>T]CTGGTGGTAAATGCATTGGGTTGAATCCTGGGCGCAAAAATGGTGGAGGAGGAGGGGGAG-3'

ClinVar aggregate classification (germline): Uncertain significance (0 of 4 stars; one submission).

Conditions:
SCAF4-related disorder. Also called: SCAF4-related condition.

Submission:

PreventionGenetics, part of Exact Sciences
Classification: Uncertain significance for SCAF4-related condition. Last evaluated: 2023-10-19. Review status: no assertion criteria provided. Collection method: clinical testing. Allele origin: germline.
Comment: The SCAF4 c.2209+1G>A variant is predicted to disrupt the GT donor site and interfere with normal splicing. To our knowledge, this variant has not been reported in the literature or in a large population database, indicating this variant is rare. Although we suspect that this variant may be pathogenic, at this time, the clinical significance of this variant is uncertain due to the absence of conclusive functional and genetic evidence.